The following is an entry in ClinVar:

NM_145207.3(AFG2A):c.1113G>A (p.Leu371=)

Gene: AFG2A (AAA ATPase AFG2A; plus strand). Cytogenetic location: 4q28.1.
Variant type: single nucleotide variant.
Coding change: c.1113G>A on transcript NM_145207.3 (MANE Select); coding-DNA position 1113, G replaced by A.
Protein change: p.Leu371=; no amino-acid change (leucine 371 retained).
Molecular consequence: synonymous variant.
Genome position (GRCh38, 1-based): chr4:122,934,704, G>A. VCF-style: chr4-122934704-G-A. GRCh37 (hg19) VCF-style: chr4-123855859-G-A.
Other names: c.1110G>A, p.Leu370= (NM_001317799.2, NM_001345856.2).
Identifiers: ClinVar variation 798100 (VCV000798100.33), dbSNP rs772031133, ClinGen allele CA3070366.

ClinVar aggregate classification (germline): Likely benign. Review status: criteria provided, multiple submitters, no conflicts (2 of 4 stars). 2 submissions from 2 submitters: Likely benign (2). Last evaluated 2023-04-26.

Conditions:
Microcephaly-intellectual disability-sensorineural hearing loss-epilepsy-abnormal muscle tone syndrome (NEDHSB). Also called: NEURODEVELOPMENTAL DISORDER WITH HEARING LOSS, SEIZURES, AND BRAIN ABNORMALITIES. Identifiers: Orphanet 457351, MedGen C4225276, MONDO:0014698, OMIM 616577.

Allele frequency attached by ClinVar (database versions not stated): gnomAD exomes below 0.00001; ExAC 0.00001; gnomAD 0.00001; TOPMed 0.00001.
gnomAD v4.1: 3 of 1,595,352 alleles (0.00019%); highest among the groups gnomAD compares: Non-Finnish European, 0.00026%; no homozygotes.

Submissions (2):

Labcorp Genetics (formerly Invitae), Labcorp
Classification: Likely benign for Microcephaly-intellectual disability-sensorineural hearing loss-epilepsy-abnormal muscle tone syndrome. Last evaluated: 2023-04-26. Review status: criteria provided, single submitter. Criteria: Invitae Variant Classification Sherloc (09022015). Collection method: clinical testing. Allele origin: germline.

CeGaT Center for Human Genetics Tuebingen
Classification: Likely benign. Last evaluated: 2022-03-01. Review status: criteria provided, single submitter. Criteria: CeGaT Center For Human Genetics Tuebingen Variant Classification Criteria Version 2. Collection method: clinical testing. Allele origin: germline. Affected: yes. Observed: 1 variant allele.
Comment: AFG2A: BP4, BP7